The following is an entry in ClinVar:

NM_000535.7(PMS2):c.278A>G (p.Gln93Arg)

Gene: PMS2 (PMS1 homolog 2, mismatch repair system component; minus strand). Cytogenetic location: 7p22.1.
Variant type: single nucleotide variant.
Coding change: c.278A>G on transcript NM_000535.7 (MANE Select); coding-DNA position 278, A replaced by G.
Protein change: p.Gln93Arg; replaces glutamine 93 with arginine.
Molecular consequence: missense variant. On other transcripts: 5 prime UTR variant (9), non-coding transcript variant (1), intron variant (2).
Genome position (GRCh38, 1-based): chr7:6,003,765, T>C on the plus strand (A>G on the coding strand, the complement: PMS2 is on the minus strand). VCF-style: chr7-6003765-T-C. GRCh37 (hg19) VCF-style: chr7-6043396-T-C.
Other names: c.-128A>G (NM_001322003.2, NM_001322004.2, NM_001322005.2 and 3 more transcripts); c.278A>G, p.Gln93Arg (NM_001322006.2, NM_001322014.2); c.-607A>G (NM_001322011.2, NM_001322012.2); c.-207A>G (NM_001322015.2); c.35+207A>G (NM_001322008.2, NM_001322007.2); c.278A>G (NM_000535.6); short protein forms Q93R.
Identifiers: ClinVar variation 846859 (VCV000846859.4), dbSNP rs1785380060, ClinGen allele CA366744674.

ClinVar aggregate classification (germline): Uncertain significance. Review status: criteria provided, multiple submitters, no conflicts (2 of 4 stars). 2 submissions from 2 submitters: Uncertain significance (2). Last evaluated 2024-04-17.

Conditions:
Hereditary nonpolyposis colorectal neoplasms. Identifiers: MedGen C0009405, MeSH D003123.
PMS2-related disorder. Also called: PMS2-related condition.

Submissions (2):

Labcorp Genetics (formerly Invitae), Labcorp
Classification: Uncertain significance for Hereditary nonpolyposis colorectal neoplasms. Last evaluated: 2024-04-17. Review status: criteria provided, single submitter. Criteria: Invitae Variant Classification Sherloc (09022015). Collection method: clinical testing. Allele origin: germline.
Comment: This sequence change replaces glutamine, which is neutral and polar, with arginine, which is basic and polar, at codon 93 of the PMS2 protein (p.Gln93Arg). This variant is not present in population databases (gnomAD no frequency). This variant has not been reported in the literature in individuals affected with PMS2-related conditions. ClinVar contains an entry for this variant (Variation ID: 846859). Advanced modeling of protein sequence and biophysical properties (such as structural, functional, and spatial information, amino acid conservation, physicochemical variation, residue mobility, and thermodynamic stability) has been performed at Invitae for this missense variant, however the output from this modeling did not meet the statistical confidence thresholds required to predict the impact of this variant on PMS2 protein function. In summary, the available evidence is currently insufficient to determine the role of this variant in disease. Therefore, it has been classified as a Variant of Uncertain Significance.

PreventionGenetics, part of Exact Sciences
Classification: Uncertain significance for PMS2-related condition. Last evaluated: 2023-01-10. Review status: criteria provided, single submitter. Criteria: ACMG Guidelines, 2015. Collection method: clinical testing. Allele origin: germline.
Comment: The PMS2 c.278A>G variant is predicted to result in the amino acid substitution p.Gln93Arg. To our knowledge, this variant has not been reported in the literature or in a large population database, indicating this variant is rare. In ClinVar, this variant is interpreted as uncertain. At this time, the clinical significance of this variant is uncertain due to the absence of conclusive functional and genetic evidence.